The following is an entry in ClinVar:

ClinVar aggregate classification (germline): Uncertain significance. Review status: criteria provided, multiple submitters, no conflicts (2 of 4 stars). 2 submissions from 2 submitters: Uncertain significance (2). Last evaluated 2025-09-03.

Conditions:
Autosomal dominant cerebellar ataxia, deafness and narcolepsy. Also called: Autosomal Dominant Cerebellar Ataxia, Deafness, and Narcolepsy (ADCA-DN). Identifiers: Orphanet 314404, MedGen C4302668, MONDO:0011397, OMIM 604121.
Hereditary sensory neuropathy-deafness-dementia syndrome. Also called: HSN IE; Hereditary sensory neuropathy type IE; NEUROPATHY, HEREDITARY SENSORY, WITH HEARING LOSS AND DEMENTIA; Hereditary Sensory and Autonomic Neuropathy Type 1E (HSAN1E). Identifiers: Orphanet 456318, MedGen C3279885, MONDO:0013584, OMIM 614116.

Allele frequency attached by ClinVar (database versions not stated): gnomAD exomes below 0.00001 and 0.00001; ExAC 0.00001; gnomAD 0.00001 and 0.00002; TOPMed 0.00001.
gnomAD v4.1: 17 of 1,613,784 alleles (0.0011%); highest among the groups gnomAD compares: East Asian, 0.0022%; no homozygotes.

Submissions (2):

Labcorp Genetics (formerly Invitae), Labcorp
Classification: Uncertain significance for Hereditary sensory neuropathy-deafness-dementia syndrome. Last evaluated: 2025-09-03. Review status: criteria provided, single submitter. Criteria: Invitae Variant Classification Sherloc (09022015). Collection method: clinical testing. Allele origin: germline.
Comment: This sequence change replaces glycine, which is neutral and non-polar, with serine, which is neutral and polar, at codon 1498 of the DNMT1 protein (p.Gly1498Ser). This variant is present in population databases (rs768764350, gnomAD 0.004%). This variant has not been reported in the literature in individuals affected with DNMT1-related conditions. ClinVar contains an entry for this variant (Variation ID: 1033722). An algorithm developed to predict the effect of missense changes on protein structure and function outputs the following: PolyPhen-2: "Benign". The serine amino acid residue is found in multiple mammalian species, which suggests that this missense change does not adversely affect protein function. In summary, the available evidence is currently insufficient to determine the role of this variant in disease. Therefore, it has been classified as a Variant of Uncertain Significance.

Baylor Genetics
Classification: Uncertain significance for Autosomal dominant cerebellar ataxia, deafness and narcolepsy. Last evaluated: 2018-05-04. Review status: criteria provided, single submitter. Criteria: ACMG Guidelines, 2015. Collection method: clinical testing. Allele origin: paternal. Affected: yes.
Comment: This variant was determined to be of uncertain significance according to ACMG Guidelines, 2015 [PMID:25741868].

NM_001130823.3(DNMT1):c.4492G>A (p.Gly1498Ser)

Genes: DNMT1 (DNA methyltransferase 1; minus strand), LOC126862853 (CDK7 strongly-dependent group 2 enhancer GRCh37_chr19:10246117-10247316; plus strand). Cytogenetic location: 19p13.2.
Variant type: single nucleotide variant.
Coding change: c.4492G>A on transcript NM_001130823.3 (MANE Select); coding-DNA position 4492, G replaced by A.
Protein change: p.Gly1498Ser; replaces glycine 1498 with serine.
Molecular consequence: missense variant.
Genome position (GRCh38, 1-based): chr19:10,136,285, C>T on the plus strand (G>A on the coding strand, the complement: DNMT1 is on the minus strand). VCF-style: chr19-10136285-C-T. GRCh37 (hg19) VCF-style: chr19-10246961-C-T.
Other names: c.4453G>A, p.Gly1485Ser (NM_001318730.2); c.4129G>A, p.Gly1377Ser (NM_001318731.2); c.4444G>A, p.Gly1482Ser (NM_001379.4); short protein forms G1482S, G1377S, G1485S, G1498S.
Identifiers: ClinVar variation 1033722 (VCV001033722.6), dbSNP rs768764350, ClinGen allele CA9187488.
Genomic context (GRCh38, chr19:10,136,285, plus strand): 5'-GGGGCAGGCACCAGGGGATGAGGGTGTTGAACTGCCTGGCTGCGGGGTCGCAGGCTTTGC[C>T]GGCTGGAAGACAGGACAGTGATGAGGCTGCAGTTGTGGGATGGGGTATAGGCTTGGGACA-3'
Protein context (NP_001124295.1, residues 1488-1508): LRGVCSCVEA[Gly1498Ser]KACDPAARQF